The following is an entry in ClinVar:

NM_001130823.3(DNMT1):c.469G>T (p.Ala157Ser)

Gene: DNMT1 (DNA methyltransferase 1; minus strand). Cytogenetic location: 19p13.2.
Variant type: single nucleotide variant.
Coding change: c.469G>T on transcript NM_001130823.3 (MANE Select); coding-DNA position 469, G replaced by T.
Protein change: p.Ala157Ser; replaces alanine 157 with serine.
Molecular consequence: missense variant. On other transcripts: intron variant (2).
Genome position (GRCh38, 1-based): chr19:10,180,211, C>A on the plus strand (G>T on the coding strand, the complement: DNMT1 is on the minus strand). VCF-style: chr19-10180211-C-A. GRCh37 (hg19) VCF-style: chr19-10290887-C-A.
Other names: c.106G>T, p.Ala36Ser (NM_001318731.2); c.445+139G>T (NM_001379.4, NM_001318730.2); short protein forms A157S, A36S.
Identifiers: ClinVar variation 1376563 (VCV001376563.6), dbSNP rs886044275, ClinGen allele CA403945922.

ClinVar aggregate classification (germline): Uncertain significance (1 of 4 stars; one submission).

Conditions:
Hereditary sensory neuropathy-deafness-dementia syndrome. Also called: Hereditary sensory neuropathy type IE; HSN IE; NEUROPATHY, HEREDITARY SENSORY, WITH HEARING LOSS AND DEMENTIA; Hereditary Sensory and Autonomic Neuropathy Type 1E (HSAN1E). Identifiers: Orphanet 456318, MedGen C3279885, MONDO:0013584, OMIM 614116.

Submission:

Labcorp Genetics (formerly Invitae), Labcorp
Classification: Uncertain significance for Hereditary sensory neuropathy-deafness-dementia syndrome. Last evaluated: 2021-11-11. Review status: criteria provided, single submitter. Criteria: Invitae Variant Classification Sherloc (09022015). Collection method: clinical testing. Allele origin: germline.
Comment: In summary, the available evidence is currently insufficient to determine the role of this variant in disease. Therefore, it has been classified as a Variant of Uncertain Significance. Algorithms developed to predict the effect of missense changes on protein structure and function are either unavailable or do not agree on the potential impact of this missense change (SIFT: "Deleterious"; PolyPhen-2: "Benign"; Align-GVGD: "Class C0"). This variant has not been reported in the literature in individuals affected with DNMT1-related conditions. This variant is not present in population databases (gnomAD no frequency). This sequence change replaces alanine, which is neutral and non-polar, with serine, which is neutral and polar, at codon 157 of the DNMT1 protein (p.Ala157Ser).